The following is an entry in ClinVar:

ClinVar aggregate classification (germline): Conflicting classifications of pathogenicity. Review status: criteria provided, conflicting classifications (1 of 4 stars). 2 submissions from 2 submitters: Uncertain significance (1); Likely benign (1). Last evaluated 2025-06-07.

Allele frequency attached by ClinVar (database versions not stated): ExAC 0.00030; TOPMed 0.00030; gnomAD 0.00032; ESP Exome Variant Server 0.00033.
gnomAD v4.1: 760 of 1,614,024 alleles (0.047%); highest among the groups gnomAD compares: Non-Finnish European, 0.057%; no homozygotes.

Submissions (2):

Ambry Genetics
Classification: Uncertain significance. Last evaluated: 2025-06-07. Review status: criteria provided, single submitter. Criteria: Ambry Variant Classification Scheme 2023. Collection method: clinical testing. Allele origin: germline.

CeGaT Center for Human Genetics Tuebingen
Classification: Likely benign. Last evaluated: 2025-06-01. Review status: criteria provided, single submitter. Criteria: CeGaT Center For Human Genetics Tuebingen Variant Classification Criteria Version 2. Collection method: clinical testing. Allele origin: germline. Affected: yes. Observed: 1 variant allele.
Comment: MYOF: BP4, BS2

NM_013451.4(MYOF):c.566G>A (p.Arg189Gln)

Gene: MYOF (myoferlin; minus strand). Cytogenetic location: 10q23.33.
Variant type: single nucleotide variant.
Coding change: c.566G>A on transcript NM_013451.4 (MANE Select); coding-DNA position 566, G replaced by A.
Protein change: p.Arg189Gln; replaces arginine 189 with glutamine.
Molecular consequence: missense variant.
Genome position (GRCh38, 1-based): chr10:93,409,607, C>T on the plus strand (G>A on the coding strand, the complement: MYOF is on the minus strand). VCF-style: chr10-93409607-C-T. GRCh37 (hg19) VCF-style: chr10-95169364-C-T.
Other names: c.566G>A, p.Arg189Gln (NM_133337.3); short protein forms R189Q.
Identifiers: ClinVar variation 2375098 (VCV002375098.12), dbSNP rs200722080, ClinGen allele CA5608578.